The following is an entry in ClinVar:

NM_000252.3(MTM1):c.867+4A>T

Gene: MTM1 (myotubularin 1; plus strand). Cytogenetic location: Xq28.
Variant type: single nucleotide variant.
Coding change: c.867+4A>T on transcript NM_000252.3 (MANE Select); 4 bases into the intron after coding-DNA position 867, A replaced by T.
Molecular consequence: intron variant.
Genome position (GRCh38, 1-based): chrX:150,645,875, A>T. VCF-style: chrX-150645875-A-T. GRCh37 (hg19) VCF-style: chrX-149814348-A-T.
Other names: c.867+4A>T (NM_001376908.1, NM_001376906.1); c.756+4A>T (NM_001376907.1).
Identifiers: ClinVar variation 461699 (VCV000461699.4), dbSNP rs1322584849, ClinGen allele CA645101544.

ClinVar aggregate classification (germline): Uncertain significance (1 of 4 stars; one submission).

Conditions:
Severe X-linked myotubular myopathy (CNMX). Also called: MYOTUBULAR MYOPATHY 1; X-linked centronuclear myopathy; Myotubular myopathy, X-linked. Identifiers: Orphanet 596, MedGen C0410203, MONDO:0010683, OMIM 310400.

Allele frequency attached by ClinVar (database versions not stated): gnomAD exomes below 0.00001 and 0.00001; gnomAD 0.00001; TOPMed 0.00001.
gnomAD v4.1: 6 of 1,202,902 alleles (0.0005%); highest among the groups gnomAD compares: African/African-American, 0.0018%; no homozygotes.

Submission:

Labcorp Genetics (formerly Invitae), Labcorp
Classification: Uncertain significance for Severe X-linked myotubular myopathy. Last evaluated: 2017-07-07. Review status: criteria provided, single submitter. Criteria: Invitae Variant Classification Sherloc (09022015). Collection method: clinical testing. Allele origin: germline.
Comment: This sequence change falls in intron 9 of the MTM1 gene. It does not directly change the encoded amino acid sequence of the MTM1 protein, but it affects a nucleotide within the consensus splice site of the intron. This variant is not present in population databases (ExAC no frequency). This variant has not been reported in the literature in individuals with MTM1-related disease. Nucleotide substitutions within the consensus splice site are relatively common causes of aberrant splicing (PMID: 17576681, 9536098). Algorithms developed to predict the effect of sequence changes on RNA splicing suggest that this variant may disrupt the consensus splice site, but this prediction has not been confirmed by published transcriptional studies. In summary, the available evidence is currently insufficient to determine the role of this variant in disease. Therefore, it has been classified as a Variant of Uncertain Significance.

Literature cited by the submitters: PubMed 17576681; PubMed 9536098.